The following is an entry in ClinVar:

ClinVar aggregate classification (germline): Uncertain significance (1 of 4 stars; one submission).

Conditions:
Bethlem myopathy 1A. Also called: Bethlem Muscular Dystrophy; Bethlem myopathy 1; MYOPATHY, BENIGN CONGENITAL, WITH CONTRACTURES. Identifiers: Orphanet 610, MedGen CN029274, MONDO:0024530, OMIM 158810.

Allele frequency attached by ClinVar (database versions not stated): gnomAD 0.00001; TOPMed 0.00004.
gnomAD v4.1: 18 of 1,609,556 alleles (0.0011%); highest among the groups gnomAD compares: Non-Finnish European, 0.0014%; no homozygotes.

Submission:

Labcorp Genetics (formerly Invitae), Labcorp
Classification: Uncertain significance for Bethlem myopathy 1A. Last evaluated: 2022-08-31. Review status: criteria provided, single submitter. Criteria: Invitae Variant Classification Sherloc (09022015). Collection method: clinical testing. Allele origin: germline.
Comment: This variant has not been reported in the literature in individuals affected with COL6A3-related conditions. This variant is not present in population databases (gnomAD no frequency). This sequence change replaces proline, which is neutral and non-polar, with serine, which is neutral and polar, at codon 2325 of the COL6A3 protein (p.Pro2325Ser). In summary, the available evidence is currently insufficient to determine the role of this variant in disease. Therefore, it has been classified as a Variant of Uncertain Significance. Advanced modeling of protein sequence and biophysical properties (such as structural, functional, and spatial information, amino acid conservation, physicochemical variation, residue mobility, and thermodynamic stability) performed at Invitae indicates that this missense variant is not expected to disrupt COL6A3 protein function. ClinVar contains an entry for this variant (Variation ID: 962499).

NM_004369.4(COL6A3):c.6973C>T (p.Pro2325Ser)

Gene: COL6A3 (collagen type VI alpha 3 chain; minus strand). Cytogenetic location: 2q37.3.
Variant type: single nucleotide variant.
Coding change: c.6973C>T on transcript NM_004369.4 (MANE Select); coding-DNA position 6973, C replaced by T.
Protein change: p.Pro2325Ser; replaces proline 2325 with serine.
Molecular consequence: missense variant.
Genome position (GRCh38, 1-based): chr2:237,347,863, G>A on the plus strand (C>T on the coding strand, the complement: COL6A3 is on the minus strand). VCF-style: chr2-237347863-G-A. GRCh37 (hg19) VCF-style: chr2-238256506-G-A.
Other names: c.5152C>T, p.Pro1718Ser (NM_057166.5); c.6355C>T, p.Pro2119Ser (NM_057167.4); short protein forms P2119S, P2325S, P1718S.
Identifiers: ClinVar variation 962499 (VCV000962499.10), dbSNP rs886044392, ClinGen allele CA351207445.